The following is an entry in ClinVar:

NM_000384.3(APOB):c.872C>A (p.Thr291Lys)

Gene: APOB (apolipoprotein B; minus strand). Cytogenetic location: 2p24.1.
Variant type: single nucleotide variant.
Coding change: c.872C>A on transcript NM_000384.3 (MANE Select); coding-DNA position 872, C replaced by A.
Protein change: p.Thr291Lys; replaces threonine 291 with lysine.
Molecular consequence: missense variant.
Genome position (GRCh38, 1-based): chr2:21,034,848, G>T on the plus strand (C>A on the coding strand, the complement: APOB is on the minus strand). VCF-style: chr2-21034848-G-T. GRCh37 (hg19) VCF-style: chr2-21257720-G-T.
Other names: short protein forms T291K.
Identifiers: ClinVar variation 3231466 (VCV003231466.1), dbSNP rs2465438797, ClinGen allele CA345960732.

ClinVar aggregate classification (germline): Uncertain significance (1 of 4 stars; one submission).

Conditions:
Cardiovascular phenotype. Identifiers: MedGen CN230736.

Allele frequency attached by ClinVar (database versions not stated): gnomAD exomes below 0.00001.
gnomAD v4.1: 2 of 1,605,882 alleles (0.00012%); highest among the groups gnomAD compares: Non-Finnish European, 0.00017%; no homozygotes.

Submission:

Ambry Genetics
Classification: Uncertain significance for Cardiovascular phenotype. Last evaluated: 2024-03-04. Review status: criteria provided, single submitter. Criteria: Ambry Variant Classification Scheme 2023. Collection method: clinical testing. Allele origin: germline.
Comment: The p.T291K variant (also known as c.872C>A), located in coding exon 8 of the APOB gene, results from a C to A substitution at nucleotide position 872. The threonine at codon 291 is replaced by lysine, an amino acid with similar properties. This amino acid position is conserved. In addition, this alteration is predicted to be tolerated by in silico analysis. Based on the available evidence, the clinical significance of this alteration remains unclear.